The following is an entry in ClinVar:

ClinVar aggregate classification (germline): Likely benign (1 of 4 stars; one submission).

Allele frequency attached by ClinVar (database versions not stated): ExAC 0.00001; gnomAD exomes 0.00001; gnomAD 0.00003; ESP Exome Variant Server 0.00009.
gnomAD v4.1: 13 of 1,207,966 alleles (0.0011%); highest among the groups gnomAD compares: African/African-American, 0.012%; no homozygotes.

Submission:

CeGaT Center for Human Genetics Tuebingen
Classification: Likely benign. Last evaluated: 2022-05-01. Review status: criteria provided, single submitter. Criteria: CeGaT Center For Human Genetics Tuebingen Variant Classification Criteria Version 2. Collection method: clinical testing. Allele origin: germline. Affected: yes. Observed: 1 variant allele.
Comment: ARMCX2: BP4, BP7

NM_177949.4(ARMCX2):c.1290C>A (p.Leu430=)

Gene: ARMCX2 (armadillo repeat containing X-linked 2; minus strand). Cytogenetic location: Xq22.1.
Variant type: single nucleotide variant.
Coding change: c.1290C>A on transcript NM_177949.4 (MANE Select); coding-DNA position 1290, C replaced by A.
Protein change: p.Leu430=; no amino-acid change (leucine 430 retained).
Molecular consequence: synonymous variant.
Genome position (GRCh38, 1-based): chrX:101,656,299, G>T on the plus strand (C>A on the coding strand, the complement: ARMCX2 is on the minus strand). VCF-style: chrX-101656299-G-T. GRCh37 (hg19) VCF-style: chrX-100911285-G-T.
Other names: c.1290C>A, p.Leu430= (NM_001282231.2, NM_014782.7).
Identifiers: ClinVar variation 2661069 (VCV002661069.24), dbSNP rs376955849, ClinGen allele CA10474206.